The following is an entry in ClinVar:

NM_002292.4(LAMB2):c.1738G>A (p.Asp580Asn)

Gene: LAMB2 (laminin subunit beta 2; minus strand). Cytogenetic location: 3p21.31.
Variant type: single nucleotide variant.
Coding change: c.1738G>A on transcript NM_002292.4 (MANE Select); coding-DNA position 1738, G replaced by A.
Protein change: p.Asp580Asn; replaces aspartic acid 580 with asparagine.
Molecular consequence: missense variant.
Genome position (GRCh38, 1-based): chr3:49,128,813, C>T on the plus strand (G>A on the coding strand, the complement: LAMB2 is on the minus strand). VCF-style: chr3-49128813-C-T. GRCh37 (hg19) VCF-style: chr3-49166246-C-T.
Other names: c.1738G>A (NM_002292.3); short protein forms D580N.
Identifiers: ClinVar variation 1501177 (VCV001501177.11), dbSNP rs779353027, ClinGen allele CA2394506.

ClinVar aggregate classification (germline): Uncertain significance. Review status: criteria provided, multiple submitters, no conflicts (2 of 4 stars). 3 submissions from 3 submitters: Uncertain significance (3). Last evaluated 2025-09-09.

Conditions:
Pierson syndrome. Also called: MICROCORIA-CONGENITAL NEPHROTIC SYNDROME. Identifiers: Orphanet 2670, MedGen C1836876, MONDO:0012184, OMIM 609049.
LAMB2-related infantile-onset nephrotic syndrome. Also called: NEPHROTIC SYNDROME, TYPE 5, WITHOUT OCULAR ABNORMALITIES; NEPHROTIC SYNDROME, TYPE 5, WITH OCULAR ABNORMALITIES; Nephrotic Syndrome, type 5. Identifiers: Orphanet 306507, MedGen C3280113, MONDO:0013621, OMIM 614199.
Inborn genetic diseases. Identifiers: MedGen C0950123, MeSH D030342.

Allele frequency attached by ClinVar (database versions not stated): ExAC 0.00001; TOPMed 0.00001; gnomAD 0.00002.

Submissions (3):

Labcorp Genetics (formerly Invitae), Labcorp
Classification: Uncertain significance for LAMB2-related infantile-onset nephrotic syndrome; Pierson syndrome. Last evaluated: 2025-09-09. Review status: criteria provided, single submitter. Criteria: Invitae Variant Classification Sherloc (09022015). Collection method: clinical testing. Allele origin: germline.
Comment: This sequence change replaces aspartic acid, which is acidic and polar, with asparagine, which is neutral and polar, at codon 580 of the LAMB2 protein (p.Asp580Asn). This variant is present in population databases (rs779353027, gnomAD 0.002%). This variant has not been reported in the literature in individuals affected with LAMB2-related conditions. ClinVar contains an entry for this variant (Variation ID: 1501177). An algorithm developed to predict the effect of missense changes on protein structure and function outputs the following: PolyPhen-2: "Benign". The asparagine amino acid residue is found in multiple mammalian species, which suggests that this missense change does not adversely affect protein function. In summary, the available evidence is currently insufficient to determine the role of this variant in disease. Therefore, it has been classified as a Variant of Uncertain Significance.

Ambry Genetics
Classification: Uncertain significance for Inborn genetic diseases. Last evaluated: 2023-09-12. Review status: criteria provided, single submitter. Criteria: Ambry Variant Classification Scheme 2023. Collection method: clinical testing. Allele origin: germline.

Breakthrough Genomics
Classification: Uncertain significance. Review status: criteria provided, single submitter. Criteria: ACMG Guidelines, 2015. Collection method: not provided. Allele origin: germline. Inheritance: Autosomal recessive inheritance. Affected: yes.